The following is an entry in ClinVar:

ClinVar aggregate classification (germline): Uncertain significance (1 of 4 stars; one submission).

Conditions:
LAMA2-related muscular dystrophy (LAMA2-RD). Also called: Laminin alpha 2-related dystrophy. Identifiers: MedGen C5679788, MONDO:0100228.

Allele frequency attached by ClinVar (database versions not stated): gnomAD exomes 0.00001; TOPMed 0.00001; ExAC 0.00002.
gnomAD v4.1: 7 of 1,613,416 alleles (0.00043%); highest among the groups gnomAD compares: East Asian, 0.0089%; no homozygotes.

Submission:

Labcorp Genetics (formerly Invitae), Labcorp
Classification: Uncertain significance for LAMA2-related muscular dystrophy. Last evaluated: 2022-02-23. Review status: criteria provided, single submitter. Criteria: Invitae Variant Classification Sherloc (09022015). Collection method: clinical testing. Allele origin: germline.
Comment: This sequence change replaces serine, which is neutral and polar, with leucine, which is neutral and non-polar, at codon 2262 of the LAMA2 protein (p.Ser2262Leu). This variant is present in population databases (rs756061859, gnomAD 0.006%). This variant has not been reported in the literature in individuals affected with LAMA2-related conditions. Advanced modeling of protein sequence and biophysical properties (such as structural, functional, and spatial information, amino acid conservation, physicochemical variation, residue mobility, and thermodynamic stability) performed at Invitae indicates that this missense variant is not expected to disrupt LAMA2 protein function. In summary, the available evidence is currently insufficient to determine the role of this variant in disease. Therefore, it has been classified as a Variant of Uncertain Significance.

NM_000426.4(LAMA2):c.6785C>T (p.Ser2262Leu)

Gene: LAMA2 (laminin subunit alpha 2; plus strand). Cytogenetic location: 6q22.33.
Variant type: single nucleotide variant.
Coding change: c.6785C>T on transcript NM_000426.4 (MANE Select); coding-DNA position 6785, C replaced by T.
Protein change: p.Ser2262Leu; replaces serine 2262 with leucine.
Molecular consequence: missense variant.
Genome position (GRCh38, 1-based): chr6:129,456,412, C>T. VCF-style: chr6-129456412-C-T. GRCh37 (hg19) VCF-style: chr6-129777557-C-T.
Other names: c.6785C>T, p.Ser2262Leu (NM_001079823.2); short protein forms S2262L.
Identifiers: ClinVar variation 2194665 (VCV002194665.1), dbSNP rs756061859, ClinGen allele CA3994362.